The following is an entry in ClinVar:

NM_015338.6(ASXL1):c.2340G>A (p.Gln780=)

Gene: ASXL1 (ASXL transcriptional regulator 1; plus strand). Cytogenetic location: 20q11.21.
Variant type: single nucleotide variant.
Coding change: c.2340G>A on transcript NM_015338.6 (MANE Select); coding-DNA position 2340, G replaced by A.
Protein change: p.Gln780=; no amino-acid change (glutamine 780 retained).
Molecular consequence: synonymous variant.
Genome position (GRCh38, 1-based): chr20:32,435,052, G>A. VCF-style: chr20-32435052-G-A. GRCh37 (hg19) VCF-style: chr20-31022855-G-A.
Other names: c.2157G>A, p.Gln719= (NM_001363734.1).
Identifiers: ClinVar variation 3026615 (VCV003026615.22), dbSNP rs2515562614, ClinGen allele CA510466230.

ClinVar aggregate classification (germline): Likely benign (1 of 4 stars; one submission).

Submission:

CeGaT Center for Human Genetics Tuebingen
Classification: Likely benign. Last evaluated: 2023-12-01. Review status: criteria provided, single submitter. Criteria: CeGaT Center For Human Genetics Tuebingen Variant Classification Criteria Version 2. Collection method: clinical testing. Allele origin: germline. Affected: yes. Observed: 1 variant allele.
Comment: ASXL1: PM2:Supporting, BP4, BP7